The following is an entry in ClinVar:

NM_212550.5(BLOC1S3):c.557T>A (p.Ile186Asn)

Gene: BLOC1S3 (biogenesis of lysosomal organelles complex 1 subunit 3; plus strand). Cytogenetic location: 19q13.32.
Variant type: single nucleotide variant.
Coding change: c.557T>A on transcript NM_212550.5 (MANE Select); coding-DNA position 557, T replaced by A.
Protein change: p.Ile186Asn; replaces isoleucine 186 with asparagine.
Molecular consequence: missense variant.
Genome position (GRCh38, 1-based): chr19:45,179,853, T>A. VCF-style: chr19-45179853-T-A. GRCh37 (hg19) VCF-style: chr19-45683111-T-A.
Other names: short protein forms I186N.
Identifiers: ClinVar variation 1491792 (VCV001491792.8), dbSNP rs2122883301, ClinGen allele CA406345042.

ClinVar aggregate classification (germline): Uncertain significance (1 of 4 stars; one submission).

Submission:

Labcorp Genetics (formerly Invitae), Labcorp
Classification: Uncertain significance. Last evaluated: 2022-11-22. Review status: criteria provided, single submitter. Criteria: Invitae Variant Classification Sherloc (09022015). Collection method: clinical testing. Allele origin: germline.
Comment: This variant has not been reported in the literature in individuals affected with BLOC1S3-related conditions. This variant is not present in population databases (gnomAD no frequency). This sequence change replaces isoleucine, which is neutral and non-polar, with asparagine, which is neutral and polar, at codon 186 of the BLOC1S3 protein (p.Ile186Asn). ClinVar contains an entry for this variant (Variation ID: 1491792). In summary, the available evidence is currently insufficient to determine the role of this variant in disease. Therefore, it has been classified as a Variant of Uncertain Significance. Algorithms developed to predict the effect of missense changes on protein structure and function are either unavailable or do not agree on the potential impact of this missense change (SIFT: "Deleterious"; PolyPhen-2: "Probably Damaging"; Align-GVGD: "Class C0").